The following is an entry in ClinVar:

ClinVar aggregate classification (germline): Uncertain significance. Review status: criteria provided, multiple submitters, no conflicts (2 of 4 stars). 2 submissions from 2 submitters: Uncertain significance (2). Last evaluated 2025-06-29.

Conditions:
MOGS-congenital disorder of glycosylation. Also called: GLUCOSIDASE I DEFICIENCY; MOGS-CDG; CDG IIb; CDG 2B. Identifiers: Orphanet 79330, MedGen C1853736, MONDO:0011629, OMIM 606056.
Inborn genetic diseases. Identifiers: MedGen C0950123, MeSH D030342.

Allele frequency attached by ClinVar (database versions not stated): gnomAD 0.00001; gnomAD exomes 0.00001; TOPMed 0.00002.
gnomAD v4.1: 86 of 1,613,914 alleles (0.0053%); highest among the groups gnomAD compares: Non-Finnish European, 0.0072%; no homozygotes.

Submissions (2):

Labcorp Genetics (formerly Invitae), Labcorp
Classification: Uncertain significance for MOGS-congenital disorder of glycosylation. Last evaluated: 2025-06-29. Review status: criteria provided, single submitter. Criteria: Invitae Variant Classification Sherloc (09022015). Collection method: clinical testing. Allele origin: germline.
Comment: This sequence change replaces glutamic acid, which is acidic and polar, with aspartic acid, which is acidic and polar, at codon 487 of the MOGS protein (p.Glu487Asp). This variant is present in population databases (no rsID available, gnomAD 0.002%). This missense change has been observed in individual(s) with congenital disorder of glycosylation (PMID: 35790351, 37596007). ClinVar contains an entry for this variant (Variation ID: 652610). Invitae Evidence Modeling of protein sequence and biophysical properties (such as structural, functional, and spatial information, amino acid conservation, physicochemical variation, residue mobility, and thermodynamic stability) indicates that this missense variant is expected to disrupt MOGS protein function with a positive predictive value of 80%. In summary, the available evidence is currently insufficient to determine the role of this variant in disease. Therefore, it has been classified as a Variant of Uncertain Significance.

Ambry Genetics
Classification: Uncertain significance for Inborn genetic diseases. Last evaluated: 2023-05-22. Review status: criteria provided, single submitter. Criteria: Ambry Variant Classification Scheme 2023. Collection method: clinical testing. Allele origin: germline.

Literature cited by the submitters: PubMed 35790351 (cited by Labcorp Genetics (formerly Invitae), Labcorp); PubMed 37596007 (cited by Labcorp Genetics (formerly Invitae), Labcorp).

NM_006302.3(MOGS):c.1461G>C (p.Glu487Asp)

Gene: MOGS (mannosyl-oligosaccharide glucosidase; minus strand). Cytogenetic location: 2p13.1.
Variant type: single nucleotide variant.
Coding change: c.1461G>C on transcript NM_006302.3 (MANE Select); coding-DNA position 1461, G replaced by C.
Protein change: p.Glu487Asp; replaces glutamic acid 487 with aspartic acid.
Molecular consequence: missense variant.
Genome position (GRCh38, 1-based): chr2:74,462,328, C>G on the plus strand (G>C on the coding strand, the complement: MOGS is on the minus strand). VCF-style: chr2-74462328-C-G. GRCh37 (hg19) VCF-style: chr2-74689455-C-G.
Other names: c.1461G>C, p.Glu487Asp (LRG_1226t1); c.1143G>C, p.Glu381Asp (NM_001146158.2); short protein forms E381D, E487D.
Identifiers: ClinVar variation 652610 (VCV000652610.10), dbSNP rs1240890677, ClinGen allele CA347372339.